The following is an entry in ClinVar:

ClinVar aggregate classification (germline): Uncertain significance (1 of 4 stars; one submission).

Conditions:
Inborn genetic diseases. Identifiers: MedGen C0950123, MeSH D030342.

Submission:

Ambry Genetics
Classification: Uncertain significance for Inborn genetic diseases. Last evaluated: 2024-10-25. Review status: criteria provided, single submitter. Criteria: Ambry Variant Classification Scheme 2023. Collection method: clinical testing. Allele origin: germline.
Comment: The c.935T>C (p.F312S) alteration is located in exon 8 (coding exon 8) of the PIP5K1C gene. This alteration results from a T to C substitution at nucleotide position 935, causing the phenylalanine (F) at amino acid position 312 to be replaced by a serine (S). This variant was not reported in population-based cohorts in the Genome Aggregation Database (gnomAD). This amino acid position is highly conserved in available vertebrate species. The in silico prediction for this alteration is inconclusive. Based on insufficient or conflicting evidence, the clinical significance of this alteration remains unclear.

NM_012398.3(PIP5K1C):c.935T>C (p.Phe312Ser)

Gene: PIP5K1C (phosphatidylinositol-4-phosphate 5-kinase type 1 gamma; minus strand). Cytogenetic location: 19p13.3.
Variant type: single nucleotide variant.
Coding change: c.935T>C on transcript NM_012398.3 (MANE Select); coding-DNA position 935, T replaced by C.
Protein change: p.Phe312Ser; replaces phenylalanine 312 with serine.
Molecular consequence: missense variant.
Genome position (GRCh38, 1-based): chr19:3,652,018, A>G on the plus strand (T>C on the coding strand, the complement: PIP5K1C is on the minus strand). VCF-style: chr19-3652018-A-G. GRCh37 (hg19) VCF-style: chr19-3652016-A-G.
Other names: c.935T>C, p.Phe312Ser (NM_001195733.2, NM_001300849.2); short protein forms F312S.
Identifiers: ClinVar variation 3418763 (VCV003418763.1).